The following is an entry in ClinVar:

ClinVar aggregate classification (germline): Uncertain significance. Review status: criteria provided, multiple submitters, no conflicts (2 of 4 stars). 3 submissions from 3 submitters: Uncertain significance (3). Last evaluated 2025-08-04.

Conditions:
Intellectual disability. Also called: Intellectual developmental disorder; Intellectual functioning disability; intellectual disabilities. Identifiers: MedGen C3714756, MeSH D008607, MONDO:0001071, HP:0001249.
COL4A2-related disorder. Also called: COL4A2-related disorders; COL4A2-related condition.
Brain small vessel disease 2A, autosomal dominant. Also called: Porencephaly 2. Identifiers: Orphanet 2940, Orphanet 99810, MedGen C3280970, MONDO:0013773, OMIM 614483.

Allele frequency attached by ClinVar (database versions not stated): gnomAD 0.00001; TOPMed 0.00002; ESP Exome Variant Server 0.00008.

Submissions (3):

PreventionGenetics, part of Exact Sciences
Classification: Uncertain significance for COL4A2-related condition. Last evaluated: 2025-08-04. Review status: criteria provided, single submitter. Criteria: ACMG Guidelines, 2015. Collection method: clinical testing. Allele origin: germline.
Comment: The COL4A2 c.5125A>G variant is predicted to result in the amino acid substitution p.Met1709Val. To our knowledge, this variant has not been reported in the literature. This variant is reported in 0.0027% of alleles in individuals of European (Non-Finnish) descent in gnomAD. At this time, the clinical significance of this variant is uncertain due to the absence of conclusive functional and genetic evidence.

Genetics and Molecular Pathology, SA Pathology
Classification: Uncertain significance for Brain small vessel disease 2A, autosomal dominant. Last evaluated: 2019-12-19. Review status: criteria provided, single submitter. Criteria: ACMG Guidelines, 2015. Collection method: clinical testing. Allele origin: germline. Inheritance: Autosomal dominant inheritance. Affected: yes.

Cambridge Genomics Laboratory, East Genomic Laboratory Hub, NHS Genomic Medicine Service
Classification: Uncertain significance for Intellectual disability. Last evaluated: 2019-04-17. Review status: criteria provided, single submitter. Criteria: ACGS Best Practice Guidelines for Variant Classification in Rare Disease 2020. Collection method: clinical testing. Allele origin: germline. Affected: yes. Observed: 1 variant allele.

NM_001846.4(COL4A2):c.5125A>G (p.Met1709Val)

Gene: COL4A2 (collagen type IV alpha 2 chain; plus strand). Cytogenetic location: 13q34.
Variant type: single nucleotide variant.
Coding change: c.5125A>G on transcript NM_001846.4 (MANE Select); coding-DNA position 5125, A replaced by G.
Protein change: p.Met1709Val; replaces methionine 1709 with valine.
Molecular consequence: missense variant.
Genome position (GRCh38, 1-based): chr13:110,512,177, A>G. VCF-style: chr13-110512177-A-G. GRCh37 (hg19) VCF-style: chr13-111164524-A-G.
Other names: short protein forms M1709V.
Identifiers: ClinVar variation 1698818 (VCV001698818.5), dbSNP rs370681819, ClinGen allele CA7050780.
Genomic context (GRCh38, chr13:110,512,177, plus strand): 5'-TCCGCCGACACGCTCAAGGCCGGCCTCATCCGCACACACATCAGCCGCTGCCAGGTGTGC[A>G]TGAAGAACCTGTGAGCCGGCGCGTGCCAGGAAGGGCCATTTTGGTGCTTATTCTTAACTT-3'
Protein context (NP_001837.2, residues 1699-1712): RTHISRCQVC[Met1709Val]KNL